The following is an entry in ClinVar:

ClinVar aggregate classification (germline): Uncertain significance. Review status: criteria provided, multiple submitters, no conflicts (2 of 4 stars). 5 submissions from 5 submitters: Uncertain significance (5). Last evaluated 2026-02-26.

Conditions:
Cardiovascular phenotype. Identifiers: MedGen CN230736.
Autosomal recessive limb-girdle muscular dystrophy type 2J (LGMDR10). Also called: MUSCULAR DYSTROPHY, LIMB-GIRDLE, AUTOSOMAL RECESSIVE 10; Limb-girdle muscular dystrophy, type 2J. Identifiers: Orphanet 140922, MedGen C1837342, MONDO:0012127, OMIM 608807.
Dilated cardiomyopathy 1G (CMD1G). Identifiers: Orphanet 154, MedGen C1858763, MONDO:0011400, OMIM 604145.
TTN-related disorder. Also called: TTN-related condition; TTN-related disease; TTN-related disorders.
Hypertrophic cardiomyopathy 9. Also called: Familial hypertrophic cardiomyopathy 9. Identifiers: MedGen C1861065, MONDO:0013412, OMIM 613765.
Early-onset myopathy with fatal cardiomyopathy (CMYO5). Also called: CONGENITAL MYOPATHY 5 WITH CARDIOMYOPATHY; Salih Myopathy. Identifiers: Orphanet 289377, MedGen C2673677, MONDO:0012714, OMIM 611705. Disease mechanism: loss of function.
Myopathy, myofibrillar, 9, with early respiratory failure (MFM9). Also called: Myopathy, distal, with early respiratory failure, autosomal dominant; EDSTROM MYOPATHY; MYOPATHY, PROXIMAL, WITH EARLY RESPIRATORY MUSCLE INVOLVEMENT; Hereditary myopathy with early respiratory failure. Identifiers: Orphanet 178464, Orphanet 34521, MedGen C1863599, MONDO:0011362, OMIM 603689.
Tibial muscular dystrophy (TMD). Also called: Tibial muscular dystrophy, tardive; UDD MYOPATHY; Udd Distal Myopathy – Tibial Muscular Dystrophy. Identifiers: Orphanet 609, MedGen C1838244, MONDO:0010870, OMIM 600334.

Allele frequency attached by ClinVar (database versions not stated): gnomAD exomes below 0.00001 and 0.00002; ExAC 0.00001; TOPMed 0.00001; gnomAD 0.00002; ESP Exome Variant Server 0.00008.
gnomAD v4.1: 35 of 1,612,402 alleles (0.0022%); highest among the groups gnomAD compares: South Asian, 0.0044%; no homozygotes.

Submissions (5):

PreventionGenetics, part of Exact Sciences
Classification: Uncertain significance for TTN-related condition. Last evaluated: 2026-02-26. Review status: criteria provided, single submitter. Criteria: ACMG Guidelines, 2015. Collection method: clinical testing. Allele origin: germline.
Comment: The TTN c.50151G>C variant is predicted to result in the amino acid substitution p.Glu16717Asp. To our knowledge, this variant has not been reported in the literature. This variant is reported in 0.0033% of alleles in individuals of South Asian descent in gnomAD. At this time, the clinical significance of this variant is uncertain due to the absence of conclusive functional and genetic evidence.

Revvity Omics, Revvity
Classification: Uncertain significance. Last evaluated: 2025-04-11. Review status: criteria provided, single submitter. Criteria: ACMG Guidelines, 2015. Collection method: clinical testing. Allele origin: germline.

Fulgent Genetics
Classification: Uncertain significance for Tibial muscular dystrophy; Myopathy, myofibrillar, 9, with early respiratory failure; Dilated cardiomyopathy 1G; Autosomal recessive limb-girdle muscular dystrophy type 2J; Early-onset myopathy with fatal cardiomyopathy; Hypertrophic cardiomyopathy 9. Last evaluated: 2021-07-23. Review status: criteria provided, single submitter. Criteria: ACMG Guidelines, 2015. Collection method: clinical testing. Allele origin: unknown.

Ambry Genetics
Classification: Uncertain significance for Cardiovascular phenotype. Last evaluated: 2020-08-03. Review status: criteria provided, single submitter. Criteria: Ambry Variant Classification Scheme 2023. Collection method: clinical testing. Allele origin: germline.
Comment: The p.E7652D variant (also known as c.22956G>C), located in coding exon 93 of the TTN gene, results from a G to C substitution at nucleotide position 22956. The glutamic acid at codon 7652 is replaced by aspartic acid, an amino acid with highly similar properties. This amino acid position is highly conserved in available vertebrate species. In addition, this alteration is predicted to be tolerated by in silico analysis. Since supporting evidence is limited at this time, the clinical significance of this alteration remains unclear.

Labcorp Genetics (formerly Invitae), Labcorp
Classification: Uncertain significance for Dilated cardiomyopathy 1G; Autosomal recessive limb-girdle muscular dystrophy type 2J. Last evaluated: 2016-07-15. Review status: criteria provided, single submitter. Criteria: Invitae Variant Classification Sherloc (09022015). Collection method: clinical testing. Allele origin: germline.

NM_001267550.2(TTN):c.50151G>C (p.Glu16717Asp)

Genes: TTN (titin; minus strand), TTN-AS1 (TTN antisense RNA 1; plus strand). Cytogenetic location: 2q31.2.
Variant type: single nucleotide variant.
Coding change: c.50151G>C on transcript NM_001267550.2 (MANE Select); coding-DNA position 50151, G replaced by C.
Protein change: p.Glu16717Asp; replaces glutamic acid 16717 with aspartic acid.
Molecular consequence: missense variant.
Genome position (GRCh38, 1-based): chr2:178,612,374, C>G on the plus strand (G>C on the coding strand, the complement: TTN is on the minus strand). VCF-style: chr2-178612374-C-G. GRCh37 (hg19) VCF-style: chr2-179477101-C-G.
Other names: c.45228G>C, p.Glu15076Asp (NM_001256850.1); c.22956G>C, p.Glu7652Asp (NM_003319.4); c.42447G>C, p.Glu14149Asp (NM_133378.4); c.23331G>C, p.Glu7777Asp (NM_133432.3); c.23532G>C, p.Glu7844Asp (NM_133437.4); short protein forms E16717D, E7652D, E14149D, E7844D, E15076D, E7777D.
Identifiers: ClinVar variation 264123 (VCV000264123.10), dbSNP rs369623681, ClinGen allele CA1994437.